The following is an entry in ClinVar:

ClinVar aggregate classification (germline): Benign/Likely benign. Review status: criteria provided, multiple submitters, no conflicts (2 of 4 stars). 3 submissions from 3 submitters: Benign (1); Likely benign (2). Last evaluated 2026-07-31.

Conditions:
Cardiovascular phenotype. Identifiers: MedGen CN230736.
Hereditary hemorrhagic telangiectasia (HHT). Also called: ORW DISEASE; Osler Weber Rendu syndrome; OSLER-RENDU-WEBER DISEASE; Osler hemorrhagic telangiectasia syndrome. Identifiers: Orphanet 774, MedGen C0039445, MONDO:0019180. Disease mechanism: loss of function.
ENG-related disorder. Also called: ENG-related condition; ENG-related disorders.

Allele frequency attached by ClinVar (database versions not stated): gnomAD 0.00003 and 0.00005; ExAC 0.00013; 1000 Genomes Project 30x 0.00031; TOPMed 0.00002; gnomAD exomes 0.00006 and 0.00012; 1000 Genomes Project 0.00040.
gnomAD v4.1: 97 of 1,614,164 alleles (0.006%); highest among the groups gnomAD compares: South Asian, 0.056%; 2 homozygotes.

Submissions (3):

PreventionGenetics, part of Exact Sciences
Classification: Likely benign for ENG-related condition. Last evaluated: 2026-07-31. Review status: criteria provided, single submitter. Criteria: ACMG Guidelines, 2015. Collection method: clinical testing. Allele origin: germline.
Comment: This variant is classified as likely benign based on ACMG/AMP sequence variant interpretation guidelines (Richards et al. 2015 PMID: 25741868, with internal and published modifications).

Labcorp Genetics (formerly Invitae), Labcorp
Classification: Likely benign for Hereditary hemorrhagic telangiectasia. Last evaluated: 2026-01-12. Review status: criteria provided, single submitter. Criteria: Invitae Variant Classification Sherloc (09022015). Collection method: clinical testing. Allele origin: germline.

Ambry Genetics
Classification: Benign for Cardiovascular phenotype. Last evaluated: 2025-09-30. Review status: criteria provided, single submitter. Criteria: Ambry Variant Classification Scheme 2023. Collection method: clinical testing. Allele origin: germline.

NM_001114753.3(ENG):c.1672G>A (p.Gly558Arg)

Genes: ENG (endoglin; minus strand), LOC102723566 (uncharacterized LOC102723566; plus strand). Cytogenetic location: 9q34.11.
Variant type: single nucleotide variant.
Coding change: c.1672G>A on transcript NM_001114753.3 (MANE Select); coding-DNA position 1672, G replaced by A.
Protein change: p.Gly558Arg; replaces glycine 558 with arginine.
Molecular consequence: missense variant.
Genome position (GRCh38, 1-based): chr9:127,818,134, C>T on the plus strand (G>A on the coding strand, the complement: ENG is on the minus strand). VCF-style: chr9-127818134-C-T. GRCh37 (hg19) VCF-style: chr9-130580413-C-T.
Other names: c.1672G>A, p.Gly558Arg (NM_000118.4); c.1126G>A, p.Gly376Arg (NM_001278138.2); c.1672G>A (NM_001114753.1); short protein forms G558R, G376R.
Identifiers: ClinVar variation 237023 (VCV000237023.14), dbSNP rs373230507, ClinGen allele CA5252706.